The following is an entry in ClinVar:

ClinVar aggregate classification (germline): Benign (1 of 4 stars; one submission).

Allele frequency attached by ClinVar (database versions not stated): TOPMed 0.28295; 1000 Genomes Project 30x 0.30403; 1000 Genomes Project 0.30911.
gnomAD v4.1: 42,976 of 151,802 alleles (28%); highest among the groups gnomAD compares: East Asian, 44%; 6,922 homozygotes.

Submission:

GeneDx
Classification: Benign. Last evaluated: 2018-06-16. Review status: criteria provided, single submitter. Criteria: GeneDx Variant Classification (06012015). Collection method: clinical testing. Allele origin: germline. Affected: yes.
Comment: This variant is considered likely benign or benign based on one or more of the following criteria: it is a conservative change, it occurs at a poorly conserved position in the protein, it is predicted to be benign by multiple in silico algorithms, and/or has population frequency not consistent with disease.

NM_198525.3(KIF7):c.2394+163C>T

Gene: KIF7 (kinesin family member 7; minus strand). Cytogenetic location: 15q26.1.
Variant type: single nucleotide variant.
Coding change: c.2394+163C>T on transcript NM_198525.3 (MANE Select); 163 bases into the intron after coding-DNA position 2394, C replaced by T.
Molecular consequence: intron variant.
Genome position (GRCh38, 1-based): chr15:89,642,040, G>A on the plus strand (C>T on the coding strand, the complement: KIF7 is on the minus strand). VCF-style: chr15-89642040-G-A. GRCh37 (hg19) VCF-style: chr15-90185271-G-A.
Identifiers: ClinVar variation 682884 (VCV000682884.1), dbSNP rs72750754, ClinGen allele CA14151356.